The following is an entry in ClinVar:

NM_006939.4(SOS2):c.2315T>G (p.Phe772Cys)

Gene: SOS2 (SOS Ras/Rho guanine nucleotide exchange factor 2; minus strand). Cytogenetic location: 14q21.3.
Variant type: single nucleotide variant.
Coding change: c.2315T>G on transcript NM_006939.4 (MANE Select); coding-DNA position 2315, T replaced by G.
Protein change: p.Phe772Cys; replaces phenylalanine 772 with cysteine.
Molecular consequence: missense variant.
Genome position (GRCh38, 1-based): chr14:50,150,077, A>C on the plus strand (T>G on the coding strand, the complement: SOS2 is on the minus strand). VCF-style: chr14-50150077-A-C. GRCh37 (hg19) VCF-style: chr14-50616795-A-C.
Other names: short protein forms F772C.
Identifiers: ClinVar variation 948773 (VCV000948773.11), dbSNP rs200715068, ClinGen allele CA7177071.

ClinVar aggregate classification (germline): Conflicting classifications of pathogenicity. Review status: criteria provided, conflicting classifications (1 of 4 stars). 3 submissions from 3 submitters: Uncertain significance (2); Likely benign (1). Last evaluated 2025-11-02.

Conditions:
Cardiovascular phenotype. Identifiers: MedGen CN230736.
Noonan syndrome 9 (NS9). Identifiers: Orphanet 648, MedGen C4225282, MONDO:0014691, OMIM 616559.

Allele frequency attached by ClinVar (database versions not stated): TOPMed below 0.00001; gnomAD 0.00002; gnomAD exomes 0.00003 and 0.00011; ExAC 0.00019.
gnomAD v4.1: 64 of 1,614,034 alleles (0.004%); highest among the groups gnomAD compares: Non-Finnish European, 0.0035%; no homozygotes.

Submissions (3):

Ambry Genetics
Classification: Uncertain significance for Cardiovascular phenotype. Last evaluated: 2025-11-02. Review status: criteria provided, single submitter. Criteria: Ambry Variant Classification Scheme 2023. Collection method: clinical testing. Allele origin: germline.

Labcorp Genetics (formerly Invitae), Labcorp
Classification: Uncertain significance for Noonan syndrome 9. Last evaluated: 2023-12-06. Review status: criteria provided, single submitter. Criteria: Invitae Variant Classification Sherloc (09022015). Collection method: clinical testing. Allele origin: germline.
Comment: This sequence change replaces phenylalanine, which is neutral and non-polar, with cysteine, which is neutral and slightly polar, at codon 772 of the SOS2 protein (p.Phe772Cys). This variant is present in population databases (rs200715068, gnomAD 0.02%), and has an allele count higher than expected for a pathogenic variant. This variant has not been reported in the literature in individuals affected with SOS2-related conditions. ClinVar contains an entry for this variant (Variation ID: 948773). Advanced modeling of protein sequence and biophysical properties (such as structural, functional, and spatial information, amino acid conservation, physicochemical variation, residue mobility, and thermodynamic stability) performed at Invitae indicates that this missense variant is expected to disrupt SOS2 protein function with a positive predictive value of 80%. In summary, the available evidence is currently insufficient to determine the role of this variant in disease. Therefore, it has been classified as a Variant of Uncertain Significance.

Blueprint Genetics
Classification: Likely benign. Last evaluated: 2023-09-15. Review status: criteria provided, single submitter. Criteria: ACMG Guidelines, 2015. Collection method: clinical testing. Allele origin: germline.